The following is an entry in ClinVar:

NM_017636.4(TRPM4):c.1874-18C>G

Gene: TRPM4 (transient receptor potential cation channel subfamily M member 4; plus strand). Cytogenetic location: 19q13.33.
Variant type: single nucleotide variant.
Coding change: c.1874-18C>G on transcript NM_017636.4 (MANE Select); 18 bases into the intron before coding-DNA position 1874, C replaced by G.
Molecular consequence: intron variant.
Genome position (GRCh38, 1-based): chr19:49,188,928, C>G. VCF-style: chr19-49188928-C-G. GRCh37 (hg19) VCF-style: chr19-49692185-C-G.
Other names: c.1874-18C>G (NM_001195227.2); c.266-18C>G (NM_001321282.2); c.1529-18C>G (NM_001321281.2); c.1352-18C>G (NM_001321283.2); c.812-18C>G (NM_001321285.2).
Identifiers: ClinVar variation 3658203 (VCV003658203.2).

ClinVar aggregate classification (germline): Uncertain significance (1 of 4 stars; one submission).

Conditions:
Progressive familial heart block type IB (PFHB1B). Identifiers: Orphanet 871, MedGen C1970298, MONDO:0011474, OMIM 604559.

Submission:

Labcorp Genetics (formerly Invitae), Labcorp
Classification: Uncertain significance for Progressive familial heart block type IB. Last evaluated: 2024-06-29. Review status: criteria provided, single submitter. Criteria: Invitae Variant Classification Sherloc (09022015). Collection method: clinical testing. Allele origin: germline.
Comment: This sequence change falls in intron 13 of the TRPM4 gene. It does not directly change the encoded amino acid sequence of the TRPM4 protein. This variant is not present in population databases (gnomAD no frequency). This variant has not been reported in the literature in individuals affected with TRPM4-related conditions. Algorithms developed to predict the effect of sequence changes on RNA splicing suggest that this variant may disrupt the consensus splice site. In summary, the available evidence is currently insufficient to determine the role of this variant in disease. Therefore, it has been classified as a Variant of Uncertain Significance.